The following is an entry in ClinVar:

ClinVar aggregate classification (germline): Pathogenic (1 of 4 stars; one submission).

Submission:

Labcorp Genetics (formerly Invitae), Labcorp
Classification: Pathogenic. Last evaluated: 2024-09-04. Review status: criteria provided, single submitter. Criteria: Invitae Variant Classification Sherloc (09022015). Collection method: clinical testing. Allele origin: germline.
Comment: This sequence change creates a premature translational stop signal (p.Glu375Argfs*70) in the AEBP1 gene. It is expected to result in an absent or disrupted protein product. Loss-of-function variants in AEBP1 are known to be pathogenic (PMID: 29606302). This variant is not present in population databases (gnomAD no frequency). This variant has not been reported in the literature in individuals affected with AEBP1-related conditions. For these reasons, this variant has been classified as Pathogenic.

Literature cited by the submitters: PubMed 29606302.

NM_001129.5(AEBP1):c.1123del (p.Glu375fs)

Gene: AEBP1 (AE binding protein 1; plus strand). Cytogenetic location: 7p13.
Variant type: Deletion.
Coding change: c.1123del on transcript NM_001129.5 (MANE Select); coding-DNA position 1123, one base deleted (G; older notation c.1123delG).
Protein change: p.Glu375fs; shifts the reading frame from glutamic acid 375.
Molecular consequence: frameshift variant.
Genome position (GRCh38, 1-based): chr7:44,109,314, G deleted; the last of 2 consecutive G bases (chr7:44,109,313-44,109,314); deleting either gives the same sequence. VCF-style (leftmost placement, unchanged base first): chr7-44109312-AG-A. GRCh37 (hg19) VCF-style: chr7-44148911-AG-A.
Other names: short protein forms E375fs.
Identifiers: ClinVar variation 3664539 (VCV003664539.2).